The following is an entry in ClinVar:

NM_017612.5(ZCCHC8):c.1408C>G (p.Pro470Ala)

Gene: ZCCHC8 (zinc finger CCHC-type containing 8; minus strand). Cytogenetic location: 12q24.31.
Variant type: single nucleotide variant.
Coding change: c.1408C>G on transcript NM_017612.5 (MANE Select); coding-DNA position 1408, C replaced by G.
Protein change: p.Pro470Ala; replaces proline 470 with alanine.
Molecular consequence: missense variant.
Genome position (GRCh38, 1-based): chr12:122,474,213, G>C on the plus strand (C>G on the coding strand, the complement: ZCCHC8 is on the minus strand). VCF-style: chr12-122474213-G-C. GRCh37 (hg19) VCF-style: chr12-122958760-G-C.
Other names: c.1177C>G, p.Pro393Ala (NM_001350935.2); c.1111C>G, p.Pro371Ala (NM_001350936.2); c.694C>G, p.Pro232Ala (NM_001350937.2, NM_001350938.2); short protein forms P232A, P470A, P393A, P371A.
Identifiers: ClinVar variation 4204516 (VCV004204516.2).

ClinVar aggregate classification (germline): Uncertain significance. Review status: criteria provided, multiple submitters, no conflicts (2 of 4 stars). 2 submissions from 2 submitters: Uncertain significance (2). Last evaluated 2025-08-30.

gnomAD v4.1: 1 of 1,501,112 alleles (0.000067%); highest among the groups gnomAD compares: Admixed American, 0.0025%; no homozygotes.

Submissions (2):

Ambry Genetics
Classification: Uncertain significance. Last evaluated: 2025-08-30. Review status: criteria provided, single submitter. Criteria: Ambry Variant Classification Scheme 2023. Collection method: clinical testing. Allele origin: germline.

Labcorp Genetics (formerly Invitae), Labcorp
Classification: Uncertain significance. Last evaluated: 2025-08-12. Review status: criteria provided, single submitter. Criteria: Invitae Variant Classification Sherloc (09022015). Collection method: clinical testing. Allele origin: germline.
Comment: This sequence change replaces proline, which is neutral and non-polar, with alanine, which is neutral and non-polar, at codon 470 of the ZCCHC8 protein (p.Pro470Ala). This variant is present in population databases (rs753947796, gnomAD 0.006%). This variant has not been reported in the literature in individuals affected with ZCCHC8-related conditions. Invitae Evidence Modeling of protein sequence and biophysical properties (such as structural, functional, and spatial information, amino acid conservation, physicochemical variation, residue mobility, and thermodynamic stability) indicates that this missense variant is expected to disrupt ZCCHC8 protein function with a positive predictive value of 80%. In summary, the available evidence is currently insufficient to determine the role of this variant in disease. Therefore, it has been classified as a Variant of Uncertain Significance.